The following is an entry in ClinVar:

NM_001009944.3(PKD1):c.1692C>T (p.Asp564=)

Gene: PKD1 (polycystin 1, transient receptor potential channel interacting; minus strand). Cytogenetic location: 16p13.3.
Variant type: single nucleotide variant.
Coding change: c.1692C>T on transcript NM_001009944.3 (MANE Select); coding-DNA position 1692, C replaced by T.
Protein change: p.Asp564=; no amino-acid change (aspartic acid 564 retained).
Molecular consequence: synonymous variant.
Genome position (GRCh38, 1-based): chr16:2,116,559, G>A on the plus strand (C>T on the coding strand, the complement: PKD1 is on the minus strand). VCF-style: chr16-2116559-G-A. GRCh37 (hg19) VCF-style: chr16-2166560-G-A.
Other names: c.1692C>T (NM_000296.3); c.1692C>T, p.Asp564= (NM_000296.4).
Identifiers: ClinVar variation 3239208 (VCV003239208.20), dbSNP rs374525293.

ClinVar aggregate classification (germline): Benign/Likely benign. Review status: criteria provided, multiple submitters, no conflicts (2 of 4 stars). 3 submissions from 3 submitters: Benign (1); Likely benign (2). Last evaluated 2025-01-07.

Allele frequency attached by ClinVar (database versions not stated): gnomAD exomes 0.00012; ESP Exome Variant Server 0.00101; gnomAD 0.00109; TOPMed 0.00117; ExAC 0.00130; 1000 Genomes Project 0.00200; 1000 Genomes Project 30x 0.00203.
gnomAD v4.1: 346 of 1,564,470 alleles (0.022%); highest among the groups gnomAD compares: African/African-American, 0.34%; no homozygotes.

Submissions (3):

Athena Diagnostics
Classification: Benign. Last evaluated: 2025-01-07. Review status: criteria provided, single submitter. Criteria: Athena Diagnostics Criteria. Collection method: clinical testing. Allele origin: unknown.
Comment: The frequency of this variant in the general population is higher than would generally be expected for pathogenic variants in this gene. This nucleotide position exhibits low evolutionary conservation. This variant has been seen where an alternate explanation for disease was also identified.

CeGaT Center for Human Genetics Tuebingen
Classification: Likely benign. Last evaluated: 2024-05-01. Review status: criteria provided, single submitter. Criteria: CeGaT Center For Human Genetics Tuebingen Variant Classification Criteria Version 2. Collection method: clinical testing. Allele origin: germline. Affected: yes. Observed: 1 variant allele.
Comment: PKD1: BP4, BP7

Blueprint Genetics
Classification: Likely benign. Last evaluated: 2023-09-14. Review status: criteria provided, single submitter. Criteria: ACMG Guidelines, 2015. Collection method: clinical testing. Allele origin: germline.